The following is an entry in ClinVar:

NM_000435.3(NOTCH3):c.1378+19C>T

Gene: NOTCH3 (notch receptor 3; minus strand). Cytogenetic location: 19p13.12.
Variant type: single nucleotide variant.
Coding change: c.1378+19C>T on transcript NM_000435.3 (MANE Select); 19 bases into the intron after coding-DNA position 1378, C replaced by T.
Molecular consequence: intron variant.
Genome position (GRCh38, 1-based): chr19:15,188,970, G>A on the plus strand (C>T on the coding strand, the complement: NOTCH3 is on the minus strand). VCF-style: chr19-15188970-G-A. GRCh37 (hg19) VCF-style: chr19-15299781-G-A.
Identifiers: ClinVar variation 3674279 (VCV003674279.4).

ClinVar aggregate classification (germline): Likely benign. Review status: criteria provided, multiple submitters, no conflicts (2 of 4 stars). 2 submissions from 2 submitters: Likely benign (2). Last evaluated 2025-04-14.

gnomAD v4.1: 161 of 1,603,988 alleles (0.01%); highest among the groups gnomAD compares: Middle Eastern, 0.017%; 1 homozygote.

Submissions (2):

Women's Health and Genetics/Laboratory Corporation of America, LabCorp
Classification: Likely benign. Last evaluated: 2025-04-14. Review status: criteria provided, single submitter. Criteria: LabCorp Variant Classification Summary - May 2015. Collection method: clinical testing. Allele origin: germline.
Comment: Variant summary: NOTCH3 c.1378+19C>T alters a non-conserved nucleotide located at a position not widely known to affect splicing. Consensus agreement among computation tools predict no significant impact on normal splicing. However, these predictions have yet to be confirmed by functional studies. The variant allele was found at a frequency of 3.5e-05 in 229356 control chromosomes. The available data on variant occurrences in the general population are insufficient to allow any conclusion about variant significance. To our knowledge, no occurrence of c.1378+19C>T in individuals affected with Cerebral arteriopathy, autosomal dominant, with subcortical infarcts and leukoencephalopathy, type 1 and no experimental evidence demonstrating its impact on protein function have been reported. ClinVar contains an entry for this variant (Variation ID: 3674279). Based on the evidence outlined above, the variant was classified as likely benign.

Labcorp Genetics (formerly Invitae), Labcorp
Classification: Likely benign. Last evaluated: 2024-08-21. Review status: criteria provided, single submitter. Criteria: Invitae Variant Classification Sherloc (09022015). Collection method: clinical testing. Allele origin: germline.